The following is an entry in ClinVar:

ClinVar aggregate classification (germline): Conflicting classifications of pathogenicity. Review status: criteria provided, conflicting classifications (1 of 4 stars). 4 submissions from 4 submitters: Uncertain significance (3); Likely benign (1). Last evaluated 2023-03-23.

Conditions:
Hereditary cancer-predisposing syndrome. Also called: Hereditary neoplastic syndrome; Neoplastic Syndromes, Hereditary; Tumor predisposition; Hereditary Cancer Syndrome. Identifiers: Orphanet 140162, MedGen C0027672, MeSH D009386, MONDO:0015356.
Hereditary breast ovarian cancer syndrome. Also called: Hereditary breast and ovarian cancer syndrome (HBOC); Hereditary breast and ovarian cancer; Hereditary breast and ovarian cancer syndrome; Breast and ovarian cancer; Hereditary breast and/or ovarian cancer syndrome; BRCA1- and BRCA2-Associated Hereditary Breast and Ovarian Cancer. Identifiers: Orphanet 145, MedGen C0677776, MeSH D061325, MONDO:0003582. Disease mechanism: loss of function.

Submissions (4):

University of Washington Department of Laboratory Medicine, University of Washington
Classification: Likely benign for Hereditary cancer-predisposing syndrome. Last evaluated: 2023-03-23. Review status: criteria provided, single submitter. Criteria: Dines et al. (Genet Med. 2020). Collection method: curation. Allele origin: germline.
Comment: Missense variant in a coldspot region where missense variants are very unlikely to be pathogenic (PMID:31911673).

BRCA1 coldspot (exon 11 using historical exon numbering). Reclassification based on statistical prior probability

Labcorp Genetics (formerly Invitae), Labcorp
Classification: Uncertain significance for Hereditary breast ovarian cancer syndrome. Last evaluated: 2022-01-16. Review status: criteria provided, single submitter. Criteria: Invitae Variant Classification Sherloc (09022015). Collection method: clinical testing. Allele origin: germline.
Comment: This variant has not been reported in the literature in individuals affected with BRCA1-related conditions. In summary, the available evidence is currently insufficient to determine the role of this variant in disease. Therefore, it has been classified as a Variant of Uncertain Significance. Advanced modeling of protein sequence and biophysical properties (such as structural, functional, and spatial information, amino acid conservation, physicochemical variation, residue mobility, and thermodynamic stability) performed at Invitae indicates that this missense variant is not expected to disrupt BRCA1 protein function. ClinVar contains an entry for this variant (Variation ID: 246072). This variant is not present in population databases (gnomAD no frequency). This sequence change replaces cysteine, which is neutral and slightly polar, with tyrosine, which is neutral and polar, at codon 1251 of the BRCA1 protein (p.Cys1251Tyr).

Color Diagnostics, LLC DBA Color Health
Classification: Uncertain significance for Hereditary cancer-predisposing syndrome. Last evaluated: 2021-12-20. Review status: criteria provided, single submitter. Criteria: ACMG Guidelines, 2015. Collection method: clinical testing. Allele origin: germline.
Comment: This missense variant replaces cysteine with tyrosine at codon 1251 of the BRCA1 protein. Computational prediction is inconclusive regarding the impact of this variant on protein structure and function (internally defined REVEL score threshold 0.5 < inconclusive < 0.7, PMID: 27666373). To our knowledge, functional studies have not been reported for this variant. This variant has been reported in an individual affected with familial breast cancer (PMID: 34287479). This variant has not been identified in the general population by the Genome Aggregation Database (gnomAD). The available evidence is insufficient to determine the role of this variant in disease conclusively. Therefore, this variant is classified as a Variant of Uncertain Significance.

GeneDx
Classification: Uncertain significance. Last evaluated: 2015-11-03. Review status: criteria provided, single submitter. Criteria: GeneDx Variant Classification (06012015). Collection method: clinical testing. Allele origin: germline. Affected: yes.
Comment: This variant is denoted BRCA1 c.3752G>A at the cDNA level, p.Cys1251Tyr (C1251Y) at the protein level, and results in the change of a Cysteine to a Tyrosine (TGT>TAT). Using alternate nomenclature, this variant would be defined as BRCA1 3871G>A. This variant has not, to our knowledge, been published in the literature as pathogenic or benign. BRCA1 Cys1251Tyr was not observed in approximately 6,500 individuals of European and African American ancestry in the NHLBI Exome Sequencing Project, suggesting it is not a common benign variant in these populations. Since Cysteine and Tyrosine differ in polarity, charge, size or other properties, this is considered a non-conservative amino acid substitution. BRCA1 Cys1251Tyr occurs at a position that is not conserved and is not located in a known functional domain (UniProt). In silico analyses predict that this variant is unlikely to alter protein structure or function. Based on currently available evidence, it is unclear whether BRCA1 Cys1251Tyr is a pathogenic or benign variant. We consider it to be a variant of uncertain significance.

Literature cited by the submitters: PubMed 34287479 (cited by Color Diagnostics, LLC DBA Color Health).

NM_007294.4(BRCA1):c.3752G>A (p.Cys1251Tyr)

Genes: BRCA1 (BRCA1 DNA repair associated; minus strand), LOC126862571 (BRD4-independent group 4 enhancer GRCh37_chr17:41243136-41244335; plus strand). Cytogenetic location: 17q21.31.
Variant type: single nucleotide variant.
Coding change: c.3752G>A on transcript NM_007294.4 (MANE Select); coding-DNA position 3752, G replaced by A.
Protein change: p.Cys1251Tyr; replaces cysteine 1251 with tyrosine.
Molecular consequence: missense variant. On other transcripts: intron variant (135).
Genome position (GRCh38, 1-based): chr17:43,091,779, C>T on the plus strand (G>A on the coding strand, the complement: BRCA1 is on the minus strand). VCF-style: chr17-43091779-C-T. GRCh37 (hg19) VCF-style: chr17-41243796-C-T.
Other names: c.3626G>A, p.Cys1209Tyr (NM_001407686.1, NM_001407687.1, NM_001407688.1 and 11 more transcripts); c.662-747G>A (NM_001408433.1, NM_001408446.1, NM_001408435.1 and 6 more transcripts); c.785-747G>A (NM_001408400.1, NM_001408392.1, NM_001407986.1 and 13 more transcripts); c.3749G>A, p.Cys1250Tyr (NM_001407644.1, NM_001407645.1, NM_001407860.1 and 22 more transcripts); c.665-747G>A (NM_001408441.1, NM_001408437.1, NM_001408442.1 and 12 more transcripts); c.3752G>A, p.Cys1251Tyr (NM_001407652.1, NM_001407684.1, NM_001407854.1 and 30 more transcripts); c.3674G>A, p.Cys1225Tyr (NM_001407653.1, NM_001407654.1, NM_001407655.1 and 4 more transcripts); c.3629G>A, p.Cys1210Tyr (NM_001407648.1, NM_001407674.1, NM_001407675.1 and 19 more transcripts); and 41 more; short protein forms C1251Y, C1204Y, C1140Y, C1124Y, C1139Y, C1162Y, C1181Y, C1203Y.
Identifiers: ClinVar variation 246072 (VCV000246072.12), dbSNP rs879254079, ClinGen allele CA10584559.